The following is an entry in ClinVar:

NM_020401.4(NUP107):c.619A>G (p.Ser207Gly)

Gene: NUP107 (nucleoporin 107; plus strand). Cytogenetic location: 12q15.
Variant type: single nucleotide variant.
Coding change: c.619A>G on transcript NM_020401.4 (MANE Select); coding-DNA position 619, A replaced by G.
Protein change: p.Ser207Gly; replaces serine 207 with glycine.
Molecular consequence: missense variant.
Genome position (GRCh38, 1-based): chr12:68,700,792, A>G. VCF-style: chr12-68700792-A-G. GRCh37 (hg19) VCF-style: chr12-69094572-A-G.
Other names: c.532A>G, p.Ser178Gly (NM_001330192.2); short protein forms S207G, S178G.
Identifiers: ClinVar variation 1991220 (VCV001991220.4), dbSNP rs1179544865, ClinGen allele CA385697566.
Genomic context (GRCh38, chr12:68,700,792, plus strand): 5'-ATACTGAGTAAAATAGTGAGTCGAGCAACACCTGGACTTCAAAAATTTTCAAAAACAGCC[A>G]GTATGCTCTGGCTTCTTCAACAGGAGATGGTCACATGGAGGCTGCTGGCTTCTTTGTATA-3'
Protein context (NP_065134.1, residues 197-217): PGLQKFSKTA[Ser207Gly]MLWLLQQEMV

ClinVar aggregate classification (germline): Uncertain significance (1 of 4 stars; one submission).

Allele frequency attached by ClinVar (database versions not stated): gnomAD exomes below 0.00001; gnomAD 0.00001; TOPMed 0.00001.
gnomAD v4.1: 4 of 1,611,908 alleles (0.00025%); highest among the groups gnomAD compares: African/African-American, 0.0053%; no homozygotes.

Submission:

Labcorp Genetics (formerly Invitae), Labcorp
Classification: Uncertain significance. Last evaluated: 2022-03-11. Review status: criteria provided, single submitter. Criteria: Invitae Variant Classification Sherloc (09022015). Collection method: clinical testing. Allele origin: germline.
Comment: In summary, the available evidence is currently insufficient to determine the role of this variant in disease. Therefore, it has been classified as a Variant of Uncertain Significance. Algorithms developed to predict the effect of missense changes on protein structure and function are either unavailable or do not agree on the potential impact of this missense change (SIFT: "Not Available"; PolyPhen-2: "Benign"; Align-GVGD: "Not Available"). This variant has not been reported in the literature in individuals affected with NUP107-related conditions. This variant is not present in population databases (gnomAD no frequency). This sequence change replaces serine, which is neutral and polar, with glycine, which is neutral and non-polar, at codon 207 of the NUP107 protein (p.Ser207Gly).